The following is an entry in ClinVar:

ClinVar aggregate classification (germline): Likely benign. Review status: criteria provided, multiple submitters, no conflicts (2 of 4 stars). 3 submissions from 3 submitters: Likely benign (3). Last evaluated 2024-04-20.

Conditions:
Progressive myoclonic epilepsy. Also called: Myoclonus epilepsy; Progressive myoclonus epilepsy; Familial progressive myoclonic epilepsy; Myoclonic Epilepsies, Progressive. Identifiers: Orphanet 308, Orphanet 98261, MedGen C0751778, MONDO:0020074.
Action myoclonus-renal failure syndrome. Also called: SCARB2-Related Action Myoclonus-Renal Failure Syndrome; MYOCLONUS-NEPHROPATHY SYNDROME; EPILEPSY, PROGRESSIVE MYOCLONIC, 4, WITH RENAL FAILURE; EPILEPSY, PROGRESSIVE MYOCLONIC, 4, WITHOUT RENAL FAILURE. Identifiers: Orphanet 163696, MedGen C0751779, MeSH D020191, MONDO:0009699, OMIM 254900.

Allele frequency attached by ClinVar (database versions not stated): gnomAD exomes 0.00001; gnomAD 0.00002; TOPMed 0.00002.

Submissions (3):

Labcorp Genetics (formerly Invitae), Labcorp
Classification: Likely benign for Progressive myoclonic epilepsy. Last evaluated: 2024-04-20. Review status: criteria provided, single submitter. Criteria: Invitae Variant Classification Sherloc (09022015). Collection method: clinical testing. Allele origin: germline.

Fulgent Genetics
Classification: Likely benign for Action myoclonus-renal failure syndrome. Last evaluated: 2021-11-02. Review status: criteria provided, single submitter. Criteria: ACMG Guidelines, 2015. Collection method: clinical testing. Allele origin: unknown.

GeneDx
Classification: Likely benign. Last evaluated: 2018-03-08. Review status: criteria provided, single submitter. Criteria: GeneDx Variant Classification (06012015). Collection method: clinical testing. Allele origin: germline. Affected: yes.
Comment: This variant is considered likely benign or benign based on one or more of the following criteria: it is a conservative change, it occurs at a poorly conserved position in the protein, it is predicted to be benign by multiple in silico algorithms, and/or has population frequency not consistent with disease.

NM_005506.4(SCARB2):c.824+20G>A

Gene: SCARB2 (scavenger receptor class B member 2; minus strand). Cytogenetic location: 4q21.1.
Variant type: single nucleotide variant.
Coding change: c.824+20G>A on transcript NM_005506.4 (MANE Select); 20 bases into the intron after coding-DNA position 824, G replaced by A.
Molecular consequence: intron variant.
Genome position (GRCh38, 1-based): chr4:76,175,771, C>T on the plus strand (G>A on the coding strand, the complement: SCARB2 is on the minus strand). VCF-style: chr4-76175771-C-T. GRCh37 (hg19) VCF-style: chr4-77096924-C-T.
Other names: c.395+20G>A (NM_001204255.2).
Identifiers: ClinVar variation 515840 (VCV000515840.4), dbSNP rs1257697437, ClinGen allele CA552355235.